The following is an entry in ClinVar:

ClinVar aggregate classification (germline): Likely pathogenic (1 of 4 stars; one submission).

Conditions:
Long chain 3-hydroxyacyl-CoA dehydrogenase deficiency. Also called: Deficiency of long-chain 3-hydroxyacyl-coenzyme A dehydrogenase; LCHAD Deficiency. Identifiers: Orphanet 5, MedGen C3711645, MONDO:0012173, OMIM 609016.

Submission:

Natera, Inc.
Classification: Likely pathogenic for Deficiency of long-chain 3-hydroxyacyl-coenzyme A dehydrogenase. Last evaluated: 2025-06-30. Review status: criteria provided, single submitter. Criteria: Natera Variant Classification Schema (03/2026). Collection method: clinical testing. Allele origin: germline.
Comment: The c.1529A>G variant in HADHA is a missense variant predicted to cause substitution of glutamic acid to glycine at amino acid 510. This variant is rare in the general population with a frequency below the threshold expected for the associated phenotype(s). A different variant at the same position has been determined to be Pathogenic or Likely Pathogenic. Computational prediction algorithms indicate this variant is likely to affect gene or protein function. Given the available evidence, this variant is classified as Likely Pathogenic.

NM_000182.5(HADHA):c.1529A>G (p.Glu510Gly)

Genes: GAREM2 (GRB2 associated regulator of MAPK1 subtype 2; plus strand), HADHA (hydroxyacyl-CoA dehydrogenase trifunctional multienzyme complex subunit alpha; minus strand). Cytogenetic location: 2p23.3.
Variant type: single nucleotide variant.
Coding change: c.1529A>G on transcript NM_000182.5 (MANE Select); coding-DNA position 1529, A replaced by G.
Protein change: p.Glu510Gly; replaces glutamic acid 510 with glycine.
Molecular consequence: missense variant.
Genome position (GRCh38, 1-based): chr2:26,195,183, T>C on the plus strand (A>G on the coding strand, the complement: HADHA is on the minus strand). VCF-style: chr2-26195183-T-C. GRCh37 (hg19) VCF-style: chr2-26418052-T-C.
Other names: short protein forms E510G.
Identifiers: ClinVar variation 4817869 (VCV004817869.1).